The following is an entry in ClinVar:

NM_000059.4(BRCA2):c.5855T>G (p.Leu1952Trp)

Gene: BRCA2 (BRCA2 DNA repair associated; plus strand). Cytogenetic location: 13q13.1.
Variant type: single nucleotide variant.
Coding change: c.5855T>G on transcript NM_000059.4 (MANE Select); coding-DNA position 5855, T replaced by G.
Protein change: p.Leu1952Trp; replaces leucine 1952 with tryptophan.
Molecular consequence: missense variant.
Genome position (GRCh38, 1-based): chr13:32,340,210, T>G. VCF-style: chr13-32340210-T-G. GRCh37 (hg19) VCF-style: chr13-32914347-T-G.
Other names: L1952W; c.5855T>G, p.Leu1952Trp (NM_001406719.1, NM_001406720.1).
Identifiers: ClinVar variation 96831 (VCV000096831.15), dbSNP rs375064902, ClinGen allele CA023308.

ClinVar aggregate classification (germline): Conflicting classifications of pathogenicity. Review status: criteria provided, conflicting classifications (1 of 4 stars). 5 submissions from 5 submitters: Uncertain significance (3); Likely benign (1). 1 of the submissions does not count toward it. Last evaluated 2023-12-11.

Conditions:
Hereditary cancer-predisposing syndrome. Also called: Hereditary Cancer Syndrome; Neoplastic Syndromes, Hereditary; Hereditary neoplastic syndrome; Tumor predisposition. Identifiers: Orphanet 140162, MedGen C0027672, MeSH D009386, MONDO:0015356.
Hereditary breast ovarian cancer syndrome. Also called: Breast and ovarian cancer; Hereditary breast and/or ovarian cancer syndrome; Hereditary breast and ovarian cancer; Hereditary breast and ovarian cancer syndrome; Hereditary breast and ovarian cancer syndrome (HBOC); BRCA1- and BRCA2-Associated Hereditary Breast and Ovarian Cancer. Identifiers: Orphanet 145, MedGen C0677776, MeSH D061325, MONDO:0003582. Disease mechanism: loss of function.
Breast-ovarian cancer, familial, susceptibility to, 2 (BROVCA2). Also called: BRCA2 Hereditary Breast and Ovarian Cancer. Identifiers: Orphanet 145, MedGen C2675520, MONDO:0012933, OMIM 612555. Disease mechanism: loss of function.

Submissions (5):

Color Diagnostics, LLC DBA Color Health
Classification: Uncertain significance for Hereditary cancer-predisposing syndrome. Last evaluated: 2023-12-11. Review status: criteria provided, single submitter. Criteria: ACMG Guidelines, 2015. Collection method: clinical testing. Allele origin: germline.
Comment: This missense variant replaces leucine with tryptophan at codon 1952 of the BRCA2 protein. Computational prediction suggests that this variant may not impact protein structure and function (internally defined REVEL score threshold <= 0.5, PMID: 27666373). To our knowledge, functional studies have not been reported for this variant. This variant has been reported in a multifactorial analysis with co-occurrence and family history likelihood ratios for pathogenicity of 1.025 and 0.776, respectively (PMID: 31131967). This variant has not been identified in the general population by the Genome Aggregation Database (gnomAD). The available evidence is insufficient to determine the role of this variant in disease conclusively. Therefore, this variant is classified as a Variant of Uncertain Significance.

Labcorp Genetics (formerly Invitae), Labcorp
Classification: Uncertain significance for Hereditary breast ovarian cancer syndrome. Last evaluated: 2023-10-30. Review status: criteria provided, single submitter. Criteria: Invitae Variant Classification Sherloc (09022015). Collection method: clinical testing. Allele origin: germline.
Comment: This sequence change replaces leucine, which is neutral and non-polar, with tryptophan, which is neutral and slightly polar, at codon 1952 of the BRCA2 protein (p.Leu1952Trp). This variant is not present in population databases (gnomAD no frequency). This variant has not been reported in the literature in individuals affected with BRCA2-related conditions. ClinVar contains an entry for this variant (Variation ID: 96831). Advanced modeling of protein sequence and biophysical properties (such as structural, functional, and spatial information, amino acid conservation, physicochemical variation, residue mobility, and thermodynamic stability) performed at Invitae indicates that this missense variant is not expected to disrupt BRCA2 protein function with a negative predictive value of 95%. In summary, the available evidence is currently insufficient to determine the role of this variant in disease. Therefore, it has been classified as a Variant of Uncertain Significance.

University of Washington Department of Laboratory Medicine, University of Washington
Classification: Likely benign for Hereditary cancer-predisposing syndrome. Last evaluated: 2023-03-23. Review status: criteria provided, single submitter. Criteria: Dines et al. (Genet Med. 2020). Collection method: curation. Allele origin: germline.
Comment: Missense variant in a coldspot region where missense variants are very unlikely to be pathogenic (PMID:31911673).

BRCA2 exon 11 coldspot. Reclassification based on statistical prior probability.

Ambry Genetics
Classification: Uncertain significance for Hereditary cancer-predisposing syndrome. Last evaluated: 2022-08-26. Review status: criteria provided, single submitter. Criteria: Ambry Variant Classification Scheme 2023. Collection method: clinical testing. Allele origin: germline.
Comment: The p.L1952W variant (also known as c.5855T>G), located in coding exon 10 of the BRCA2 gene, results from a T to G substitution at nucleotide position 5855. The leucine at codon 1952 is replaced by tryptophan, an amino acid with similar properties. This amino acid position is not well conserved in available vertebrate species. In addition, this alteration is predicted to be tolerated by in silico analysis. Since supporting evidence is limited at this time, the clinical significance of this alteration remains unclear.

Sharing Clinical Reports Project (SCRP)
Classification: Uncertain significance for Breast-ovarian cancer, familial 2. Last evaluated: 2009-12-28. Review status: no assertion criteria provided. Collection method: clinical testing. Allele origin: germline. Not counted in ClinVar's aggregate classification.

Literature cited by the submitters: PubMed 31131967 (cited by Color Diagnostics, LLC DBA Color Health).